The following is an entry in ClinVar:

NM_001375834.1(WIPF1):c.723C>A (p.Ser241Arg)

Gene: WIPF1 (WAS/WASL interacting protein family member 1; minus strand). Cytogenetic location: 2q31.1.
Variant type: single nucleotide variant.
Coding change: c.723C>A on transcript NM_001375834.1 (MANE Select); coding-DNA position 723, C replaced by A.
Protein change: p.Ser241Arg; replaces serine 241 with arginine.
Molecular consequence: missense variant.
Genome position (GRCh38, 1-based): chr2:174,572,082, G>T on the plus strand (C>A on the coding strand, the complement: WIPF1 is on the minus strand). VCF-style: chr2-174572082-G-T. GRCh37 (hg19) VCF-style: chr2-175436810-G-T.
Other names: c.723C>A, p.Ser241Arg (NM_001077269.1, NM_001375832.1, NM_001375833.1 and 5 more transcripts); c.345C>A, p.Ser115Arg (NM_001375839.1); short protein forms S241R, S115R.
Identifiers: ClinVar variation 2141219 (VCV002141219.4), dbSNP rs751699118, ClinGen allele CA349341941.
Genomic context (GRCh38, chr2:174,572,082, plus strand): 5'-ATCCAAGGCCCTGCTGGGGGTAGGCGGCAGGGGAGGCCGGTTGGAGAAGGGCGAGGAGGA[G>T]CTCAAGGGGGACTGACGTATTGAGCCTCCTCCCAAAGCAGTGCCGCGGTTTCCAGGGAAA-3'
Protein context (NP_001362763.1, residues 231-251): GGGSIRQSPL[Ser241Arg]SSSPFSNRPP

ClinVar aggregate classification (germline): Uncertain significance (1 of 4 stars; one submission).

Conditions:
Wiskott-Aldrich syndrome 2 (WAS2). Also called: WIPF1 DEFICIENCY. Identifiers: Orphanet 906, MedGen C3281001, MONDO:0013779, OMIM 614493.

Submission:

Labcorp Genetics (formerly Invitae), Labcorp
Classification: Uncertain significance for Wiskott-Aldrich syndrome 2. Last evaluated: 2022-06-26. Review status: criteria provided, single submitter. Criteria: Invitae Variant Classification Sherloc (09022015). Collection method: clinical testing. Allele origin: germline.
Comment: Algorithms developed to predict the effect of missense changes on protein structure and function are either unavailable or do not agree on the potential impact of this missense change (SIFT: "Not Available"; PolyPhen-2: "Benign"; Align-GVGD: "Not Available"). This variant has not been reported in the literature in individuals affected with WIPF1-related conditions. This variant is not present in population databases (gnomAD no frequency). This sequence change replaces serine, which is neutral and polar, with arginine, which is basic and polar, at codon 241 of the WIPF1 protein (p.Ser241Arg). In summary, the available evidence is currently insufficient to determine the role of this variant in disease. Therefore, it has been classified as a Variant of Uncertain Significance.